The following is an entry in ClinVar:

NM_031307.4(PUS3):c.230A>G (p.Gln77Arg)

Genes: HYLS1 (HYLS1 centriolar and ciliogenesis associated; plus strand), PUS3 (pseudouridine synthase 3; minus strand). Cytogenetic location: 11q24.2.
Variant type: single nucleotide variant.
Coding change: c.230A>G on transcript NM_031307.4 (MANE Select); coding-DNA position 230, A replaced by G.
Protein change: p.Gln77Arg; replaces glutamine 77 with arginine.
Molecular consequence: missense variant. On other transcripts: intron variant (6).
Genome position (GRCh38, 1-based): chr11:125,896,055, T>C on the plus strand (A>G on the coding strand, the complement: PUS3 is on the minus strand). VCF-style: chr11-125896055-T-C. GRCh37 (hg19) VCF-style: chr11-125765950-T-C.
Other names: c.-80-3049T>C (NM_145014.3); c.-25-3289T>C (NM_001134793.2, NM_001377269.1); c.-22-3292T>C (NM_001424364.1, NM_001377270.1); c.-246-266A>G (NM_001271985.2); short protein forms Q77R.
Identifiers: ClinVar variation 1910174 (VCV001910174.5), dbSNP rs778436881, ClinGen allele CA6350566.

ClinVar aggregate classification (germline): Uncertain significance (1 of 4 stars; one submission).

Allele frequency attached by ClinVar (database versions not stated): TOPMed below 0.00001; ExAC 0.00001; gnomAD 0.00001; gnomAD exomes 0.00001.
gnomAD v4.1: 5 of 1,614,104 alleles (0.00031%); highest among the groups gnomAD compares: Admixed American, 0.0067%; no homozygotes.

Submission:

Labcorp Genetics (formerly Invitae), Labcorp
Classification: Uncertain significance. Last evaluated: 2022-03-23. Review status: criteria provided, single submitter. Criteria: Invitae Variant Classification Sherloc (09022015). Collection method: clinical testing. Allele origin: germline.
Comment: This variant is present in population databases (rs778436881, gnomAD 0.009%). This sequence change replaces glutamine, which is neutral and polar, with arginine, which is basic and polar, at codon 77 of the PUS3 protein (p.Gln77Arg). This variant has not been reported in the literature in individuals affected with PUS3-related conditions. In summary, the available evidence is currently insufficient to determine the role of this variant in disease. Therefore, it has been classified as a Variant of Uncertain Significance. Algorithms developed to predict the effect of missense changes on protein structure and function are either unavailable or do not agree on the potential impact of this missense change (SIFT: "Deleterious"; PolyPhen-2: "Possibly Damaging"; Align-GVGD: "Class C0").